The following is an entry in ClinVar:

NM_022114.4(PRDM16):c.2604-128G>A

Gene: PRDM16 (PR/SET domain 16; plus strand). Cytogenetic location: 1p36.32.
Variant type: single nucleotide variant.
Coding change: c.2604-128G>A on transcript NM_022114.4 (MANE Select); 128 bases into the intron before coding-DNA position 2604, G replaced by A.
Molecular consequence: intron variant.
Genome position (GRCh38, 1-based): chr1:3,414,432, G>A. VCF-style: chr1-3414432-G-A. GRCh37 (hg19) VCF-style: chr1-3330996-G-A.
Other names: c.2604-128G>A (NM_199454.3).
Identifiers: ClinVar variation 674853 (VCV000674853.2), dbSNP rs76153297, ClinGen allele CA10936577.
Genomic context (GRCh38, chr1:3,414,432, plus strand): 5'-GGGCTCCCGACATCCCCAAGGCCCACAGAGGAGTCTGGTGAGCGTTGGGGCAGCCACGGC[G>A]AGGTCCACACCATGGCCTTGTGACTGGCCAGGTATATGGTCAGGCGGGGTGGGCGGCTCT-3'

ClinVar aggregate classification (germline): Benign. Review status: criteria provided, multiple submitters, no conflicts (2 of 4 stars). 2 submissions from 2 submitters: Benign (2). Last evaluated 2018-06-19.

Allele frequency attached by ClinVar (database versions not stated): gnomAD exomes 0.00549; gnomAD 0.04224 and 0.04505; TOPMed 0.04706; 1000 Genomes Project 0.05172; 1000 Genomes Project 30x 0.05231.
gnomAD v4.1: 9,478 of 683,138 alleles (1.4%); highest among the groups gnomAD compares: African/African-American, 14%; 617 homozygotes.

Submissions (2):

GeneDx
Classification: Benign. Last evaluated: 2018-06-19. Review status: criteria provided, single submitter. Criteria: GeneDx Variant Classification (06012015). Collection method: clinical testing. Allele origin: germline. Affected: yes.
Comment: This variant is considered likely benign or benign based on one or more of the following criteria: it is a conservative change, it occurs at a poorly conserved position in the protein, it is predicted to be benign by multiple in silico algorithms, and/or has population frequency not consistent with disease.

Breakthrough Genomics
Classification: Benign. Review status: criteria provided, single submitter. Criteria: ACMG Guidelines, 2015. Collection method: not provided. Allele origin: germline. Inheritance: Autosomal dominant inheritance. Affected: yes.